The following is an entry in ClinVar:

NR_003051.3(RMRP):n.-26_-3dup

Gene: RMRP (RNA component of mitochondrial RNA processing endoribonuclease; minus strand). Cytogenetic location: 9p13.3.
Variant type: Duplication.
Genome position: GRCh38 VCF-style: chr9-35658020-C-CGTCCTCAGCTTCACAGAGTAGTAT. GRCh37 (hg19) VCF-style: chr9-35658017-C-CGTCCTCAGCTTCACAGAGTAGTAT.
Identifiers: ClinVar variation 2784508 (VCV002784508.3), dbSNP rs1554651414, ClinGen allele CA5045876.
Genomic context (GRCh38, chr9:35,658,020, plus strand): 5'-AAAGGGGAGGAACAGAGTCCTCAGTGTGTAGCCTAGGATACAGGCCTTCAGCACGAACCA[C>CGTCCTCAGCTTCACAGAGTAGTAT]GTCCTCAGCTTCACAGAGTAGTATTTTATAGCCCTAAAGAAATTGTGTTTTATGATTAGG-3'

ClinVar aggregate classification (germline): Pathogenic/Likely pathogenic. Review status: criteria provided, multiple submitters, no conflicts (2 of 4 stars). 2 submissions from 2 submitters: Pathogenic (1); Likely pathogenic (1). Last evaluated 2025-02-26.

Conditions:
Anauxetic dysplasia. Identifiers: Orphanet 93347, MedGen C1846796, MONDO:0011773.
Metaphyseal chondrodysplasia, McKusick type (CHH). Also called: Cartilage-hair hypoplasia; Cartilage-Hair Hypoplasia (CHH). Identifiers: Orphanet 175, MedGen C0220748, MONDO:0009595, OMIM 250250.

Allele frequency attached by ClinVar (database versions not stated): ExAC 0.00011; gnomAD exomes below 0.00001.

Submissions (2):

Natera, Inc.
Classification: Likely pathogenic for Cartilage-hair hypoplasia. Last evaluated: 2025-02-26. Review status: criteria provided, single submitter. Criteria: Natera Variant Classification Schema (03/2026). Collection method: clinical testing. Allele origin: germline.
Comment: The n.-26_-3dup variant in RMRP is a duplication affecting the RMRP promoter region between the TATA box and the transcription initiation site. Other duplications and insertions just upstream of the transcription initiation site have been reported in individuals affected with cartilage-hair hypoplasia (PMID: 11207361, 17937437). This variant is rare in the general population with a frequency below the threshold expected for the associated phenotype(s). Given the available evidence, this variant is classified as Likely pathogenic.

Labcorp Genetics (formerly Invitae), Labcorp
Classification: Pathogenic for Anauxetic dysplasia. Last evaluated: 2023-03-01. Review status: criteria provided, single submitter. Criteria: Invitae Variant Classification Sherloc (09022015). Collection method: clinical testing. Allele origin: germline.
Comment: For these reasons, this variant has been classified as Pathogenic. While functional studies for this variant have not been reported, experimental analyses using patient derived cells, as well as in vitro transfection studies, have shown that promoter insertions result in silencing of RMRP transcription and reduced expression of the gene product (PMID: 11207361, 16254002). While this particular variant has not been reported in the literature, it is located in the promoter region between the TATA box and the transcription initiation site, and other insertions and duplications immediately upstream of the coding sequence have been reported in individuals affected with cartilage-hair hypoplasia-anauxetic dysplasia (CHH-AD) spectrum disorders (PMID: 16244706, 11207361, 12107819). This variant is present in population databases (rs727502778, gnomAD 0.005%). This variant occurs in the RMRP gene, which encodes an RNA molecule that does not result in a protein product.

Literature cited by the submitters: PubMed 11207361 (cited by Natera, Inc. and Labcorp Genetics (formerly Invitae), Labcorp); PubMed 17937437 (cited by Natera, Inc.); PubMed 16254002 (cited by Labcorp Genetics (formerly Invitae), Labcorp); PubMed 16244706 (cited by Labcorp Genetics (formerly Invitae), Labcorp); PubMed 12107819 (cited by Labcorp Genetics (formerly Invitae), Labcorp).